The following is an entry in ClinVar:

ClinVar aggregate classification (germline): Uncertain significance. Review status: criteria provided, multiple submitters, no conflicts (2 of 4 stars). 3 submissions from 3 submitters: Uncertain significance (3). Last evaluated 2025-10-18.

Conditions:
Inborn genetic diseases. Identifiers: MedGen C0950123, MeSH D030342.

Allele frequency attached by ClinVar (database versions not stated): TOPMed below 0.00001; gnomAD exomes below 0.00001.

Submissions (3):

Ambry Genetics
Classification: Uncertain significance for Inborn genetic diseases. Last evaluated: 2025-10-18. Review status: criteria provided, single submitter. Criteria: Ambry Variant Classification Scheme 2023. Collection method: clinical testing. Allele origin: germline.

GeneDx
Classification: Uncertain significance. Last evaluated: 2019-08-05. Review status: criteria provided, single submitter. Criteria: GeneDx Variant Classification Process June 2021. Collection method: clinical testing. Allele origin: germline. Affected: yes.
Comment: Not observed at a significant frequency in large population cohorts (Lek et al., 2016); In silico analysis, which includes protein predictors and evolutionary conservation, supports a deleterious effect; Has not been previously published as pathogenic or benign to our knowledge

Breakthrough Genomics
Classification: Uncertain significance. Review status: criteria provided, single submitter. Criteria: ACMG Guidelines, 2015. Collection method: not provided. Allele origin: germline. Inheritance: Autosomal dominant inheritance. Affected: yes.

NM_004782.4(SNAP29):c.695A>G (p.Asp232Gly)

Gene: SNAP29 (synaptosome associated protein 29; plus strand). Cytogenetic location: 22q11.21.
Variant type: single nucleotide variant.
Coding change: c.695A>G on transcript NM_004782.4 (MANE Select); coding-DNA position 695, A replaced by G.
Protein change: p.Asp232Gly; replaces aspartic acid 232 with glycine.
Molecular consequence: missense variant.
Genome position (GRCh38, 1-based): chr22:20,887,754, A>G. VCF-style: chr22-20887754-A-G. GRCh37 (hg19) VCF-style: chr22-21242042-A-G.
Other names: short protein forms D232G.
Identifiers: ClinVar variation 1307670 (VCV001307670.4), dbSNP rs1313251010, ClinGen allele CA410760664.